The following is an entry in ClinVar:

ClinVar aggregate classification (germline): Benign. Review status: criteria provided, multiple submitters, no conflicts (2 of 4 stars). 3 submissions from 3 submitters: Benign (2). 1 of the submissions does not count toward it. Last evaluated 2018-06-18.

Conditions:
PXDNL-related disorder. Also called: PXDNL-related condition.

Allele frequency attached by ClinVar (database versions not stated): gnomAD exomes 0.00137 and 0.00350; ExAC 0.00417; 1000 Genomes Project 30x 0.01327; gnomAD 0.01350 and 0.01442; ESP Exome Variant Server 0.01376; 1000 Genomes Project 0.01378; TOPMed 0.01569.
gnomAD v4.1: 4,155 of 1,613,890 alleles (0.26%); highest among the groups gnomAD compares: African/African-American, 4.7%; 85 homozygotes.

Submissions (3):

Labcorp Genetics (formerly Invitae), Labcorp
Classification: Benign. Last evaluated: 2018-06-18. Review status: criteria provided, single submitter. Criteria: Invitae Variant Classification Sherloc (09022015). Collection method: clinical testing. Allele origin: germline.

Breakthrough Genomics
Classification: Benign. Review status: criteria provided, single submitter. Criteria: ACMG Guidelines, 2015. Collection method: not provided. Allele origin: germline. Inheritance: Unknown mechanism. Affected: yes.

PreventionGenetics, part of Exact Sciences
Classification: Benign for PXDNL-related condition. Last evaluated: 2019-02-16. Review status: no assertion criteria provided. Collection method: clinical testing. Allele origin: germline. Not counted in ClinVar's aggregate classification.
Comment: This variant is classified as benign based on ACMG/AMP sequence variant interpretation guidelines (Richards et al. 2015 PMID: 25741868, with internal and published modifications).

NM_144651.5(PXDNL):c.1433C>T (p.Ala478Val)

Gene: PXDNL (peroxidasin like; minus strand). Cytogenetic location: 8q11.22.
Variant type: single nucleotide variant.
Coding change: c.1433C>T on transcript NM_144651.5 (MANE Select); coding-DNA position 1433, C replaced by T.
Protein change: p.Ala478Val; replaces alanine 478 with valine.
Molecular consequence: missense variant.
Genome position (GRCh38, 1-based): chr8:51,447,096, G>A on the plus strand (C>T on the coding strand, the complement: PXDNL is on the minus strand). VCF-style: chr8-51447096-G-A. GRCh37 (hg19) VCF-style: chr8-52359656-G-A.
Other names: short protein forms A478V.
Identifiers: ClinVar variation 776326 (VCV000776326.6), dbSNP rs111408510, ClinGen allele CA4745360.